The following is an entry in ClinVar:

ClinVar aggregate classification (germline): Uncertain significance (1 of 4 stars; one submission).

Conditions:
Inborn genetic diseases. Identifiers: MedGen C0950123, MeSH D030342.

gnomAD v4.1: 2 of 1,613,788 alleles (0.00012%); highest among the groups gnomAD compares: African/African-American, 0.0013%; no homozygotes.

Submission:

Ambry Genetics
Classification: Uncertain significance for Inborn genetic diseases. Last evaluated: 2024-11-25. Review status: criteria provided, single submitter. Criteria: Ambry Variant Classification Scheme 2023. Collection method: clinical testing. Allele origin: germline.
Comment: The p.T806P variant (also known as c.2416A>C), located in coding exon 13 of the ASXL1 gene, results from an A to C substitution at nucleotide position 2416. The threonine at codon 806 is replaced by proline, an amino acid with highly similar properties. This amino acid position is conserved. In addition, this alteration is predicted to be tolerated by in silico analysis. Based on the available evidence, the clinical significance of this variant remains unclear.

NM_015338.6(ASXL1):c.2416A>C (p.Thr806Pro)

Gene: ASXL1 (ASXL transcriptional regulator 1; plus strand). Cytogenetic location: 20q11.21.
Variant type: single nucleotide variant.
Coding change: c.2416A>C on transcript NM_015338.6 (MANE Select); coding-DNA position 2416, A replaced by C.
Protein change: p.Thr806Pro; replaces threonine 806 with proline.
Molecular consequence: missense variant.
Genome position (GRCh38, 1-based): chr20:32,435,128, A>C. VCF-style: chr20-32435128-A-C. GRCh37 (hg19) VCF-style: chr20-31022931-A-C.
Other names: c.2233A>C, p.Thr745Pro (NM_001363734.1); short protein forms T745P, T806P.
Identifiers: ClinVar variation 3438782 (VCV003438782.1).
Genomic context (GRCh38, chr20:32,435,128, plus strand): 5'-AGAACTGAATGTGAGTCTGGCACCACTTCCTGGGAAAGTGATGATGAGGAGCAAGGACCC[A>C]CCGTTCCTGCAGACAATGGTCCCATTCCGTCTCTAGTGGGAGATGATACATTAGAGAAAG-3'
Protein context (NP_056153.2, residues 796-816): WESDDEEQGP[Thr806Pro]VPADNGPIPS